The following is an entry in ClinVar:

ClinVar aggregate classification (germline): Uncertain significance (1 of 4 stars; one submission).

Allele frequency attached by ClinVar (database versions not stated): TOPMed below 0.00001; gnomAD exomes 0.00001.
gnomAD v4.1: 8 of 1,614,194 alleles (0.0005%); highest among the groups gnomAD compares: Admixed American, 0.0017%; no homozygotes.

Submission:

GeneDx
Classification: Uncertain significance. Last evaluated: 2023-01-11. Review status: criteria provided, single submitter. Criteria: GeneDx Variant Classification Process June 2021. Collection method: clinical testing. Allele origin: germline. Affected: yes.
Comment: Not observed at significant frequency in large population cohorts (gnomAD); In silico analysis supports that this missense variant has a deleterious effect on protein structure/function; Has not been previously published as pathogenic or benign to our knowledge

NM_015459.5(ATL3):c.1295A>G (p.Asn432Ser)

Genes: ATL3 (atlastin GTPase 3; minus strand), LNCROPM (lncRNA regulator of PLAAT3 mediated phospholipid metabolism; plus strand), LOC126861231 (CDK7 strongly-dependent group 2 enhancer GRCh37_chr11:63398741-63399940; plus strand). Cytogenetic location: 11q13.1.
Variant type: single nucleotide variant.
Coding change: c.1295A>G on transcript NM_015459.5 (MANE Select); coding-DNA position 1295, A replaced by G.
Protein change: p.Asn432Ser; replaces asparagine 432 with serine.
Molecular consequence: missense variant.
Genome position (GRCh38, 1-based): chr11:63,631,284, T>C on the plus strand (A>G on the coding strand, the complement: ATL3 is on the minus strand). VCF-style: chr11-63631284-T-C. GRCh37 (hg19) VCF-style: chr11-63398756-T-C.
Other names: c.1241A>G, p.Asn414Ser (NM_001290048.2); short protein forms N414S, N432S.
Identifiers: ClinVar variation 2572737 (VCV002572737.1), dbSNP rs1213574217, ClinGen allele CA381025242.
Genomic context (GRCh38, chr11:63,631,284, plus strand): 5'-ACAATGCCCGTGAACAGCACTGCAGGGGTTCGGAAGGTGCTGAAGACGTTCTTGCTACCA[T>C]TGTGCTTGCAGAAGTTCTCATATAATTCCTTGATTTCCTCCTCCAGCTCCTGCTGGTAAC-3'
Protein context (NP_056274.3, residues 422-442): KELYENFCKH[Asn432Ser]GSKNVFSTFR